The following is an entry in ClinVar:

NM_004700.4(KCNQ4):c.1283C>T (p.Pro428Leu)

Gene: KCNQ4 (potassium voltage-gated channel subfamily Q member 4; plus strand). Cytogenetic location: 1p34.2.
Variant type: single nucleotide variant.
Coding change: c.1283C>T on transcript NM_004700.4 (MANE Select); coding-DNA position 1283, C replaced by T.
Protein change: p.Pro428Leu; replaces proline 428 with leucine.
Molecular consequence: missense variant. On other transcripts: intron variant (1).
Genome position (GRCh38, 1-based): chr1:40,824,249, C>T. VCF-style: chr1-40824249-C-T. GRCh37 (hg19) VCF-style: chr1-41289921-C-T.
Other names: c.1130+1847C>T (NM_172163.3); short protein forms P428L.
Identifiers: ClinVar variation 930078 (VCV000930078.4), dbSNP rs932108929, ClinGen allele CA21116425.
Genomic context (GRCh38, chr1:40,824,249, plus strand): 5'-CACCCTCCCGTTACCCGCCCGTTGCCACCTGCCACCGGCCGGGCAGCACCTCCTTCTGCC[C>T]TGGGGAAAGGTAGGGGCCCCGTGGGGCTGCCACCTCCTCTTGCTTCTCCTCCTCTTCTTC-3'
Protein context (NP_004691.2, residues 418-438): CHRPGSTSFC[Pro428Leu]GESSRMGIKD

ClinVar aggregate classification (germline): Uncertain significance (1 of 4 stars; one submission).

Allele frequency attached by ClinVar (database versions not stated): gnomAD 0.00001; gnomAD exomes 0.00001; TOPMed 0.00001.
gnomAD v4.1: 13 of 1,608,286 alleles (0.00081%); highest among the groups gnomAD compares: Non-Finnish European, 0.001%; no homozygotes.

Submission:

Laboratory for Molecular Medicine, Mass General Brigham Personalized Medicine
Classification: Uncertain significance. Last evaluated: 2020-03-11. Review status: criteria provided, single submitter. Criteria: LMM Criteria. Collection method: clinical testing. Allele origin: germline. Observed: 1 variant allele.
Comment: The p.Pro428Leu variant in KCNQ4 has not been previously reported in individuals with hearing loss and was absent from large population studies. Computational prediction tools and conservation analysis suggest that this variant may not impact the protein, though this information is not predictive enough to rule out pathogenicity. In summary, the clinical significance of this variant is uncertain. ACMG/AMP Criteria applied: PM2, BP4.